The following is an entry in ClinVar:

NC_000009.11:g.(?_130216797)_(130224662_?)dup

Gene: LRSAM1 (leucine rich repeat and sterile alpha motif containing 1; plus strand). Cytogenetic location: 9q33.3.
Variant type: Duplication.
Identifiers: ClinVar variation 1449410 (VCV001449410.4).

ClinVar aggregate classification (germline): Uncertain significance (1 of 4 stars; one submission).

Conditions:
Charcot-Marie-Tooth disease axonal type 2P. Also called: CHARCOT-MARIE-TOOTH NEUROPATHY, TYPE 2P; Charcot-Marie-Tooth Neuropathy Type 2G; CHARCOT-MARIE-TOOTH DISEASE, AXONAL, TYPE 2G; CMT 2G. Identifiers: Orphanet 300319, Orphanet 99941, MedGen C3280797, MONDO:0013753, OMIM 614436.

Submission:

Labcorp Genetics (formerly Invitae), Labcorp
Classification: Uncertain significance for Charcot-Marie-Tooth disease axonal type 2P. Last evaluated: 2020-12-17. Review status: criteria provided, single submitter. Criteria: Invitae Variant Classification Sherloc (09022015). Collection method: clinical testing. Allele origin: germline.
Comment: This variant results in a copy number gain of the genomic region encompassing exon(s) 2-8 of the LRSAM1 gene. This region includes the initiator codon of the gene. The 5' end of this event is unknown as it extends beyond the assayed region for this gene and therefore may encompass additional genes. The 3' boundary is likely confined to intron 8 of the LRSAM1 gene. As the precise location of this event is unknown, it may be in tandem or it may be located elsewhere in the genome. In summary, the available evidence is currently insufficient to determine the role of this variant in disease. Therefore, it has been classified as a Variant of Uncertain Significance. This variant has not been reported in the literature in individuals with LRSAM1-related conditions.